The following is an entry in ClinVar:

NM_000787.4(DBH):c.1646G>A (p.Arg549His)

Genes: DBH (dopamine beta-hydroxylase; plus strand), DBH-AS1 (DBH antisense RNA 1; minus strand). Cytogenetic location: 9q34.2.
Variant type: single nucleotide variant.
Coding change: c.1646G>A on transcript NM_000787.4 (MANE Select); coding-DNA position 1646, G replaced by A.
Protein change: p.Arg549His; replaces arginine 549 with histidine.
Molecular consequence: missense variant. On other transcripts: non-coding transcript variant (1).
Genome position (GRCh38, 1-based): chr9:133,657,153, G>A. VCF-style: chr9-133657153-G-A. GRCh37 (hg19) VCF-style: chr9-136522275-G-A.
Other names: c.1646G>A (NM_000787.3); short protein forms R549H.
Identifiers: ClinVar variation 1517613 (VCV001517613.7), dbSNP rs150202872, ClinGen allele CA5313633.

ClinVar aggregate classification (germline): Uncertain significance. Review status: criteria provided, multiple submitters, no conflicts (2 of 4 stars). 3 submissions from 3 submitters: Uncertain significance (3). Last evaluated 2026-05-06.

Conditions:
Inborn genetic diseases. Identifiers: MedGen C0950123, MeSH D030342.
Orthostatic hypotension 1 (ORTHYP1). Also called: Dopamine beta-hydroxylase deficiency; NORADRENALINE DEFICIENCY; NOREPINEPHRINE DEFICIENCY; Orthostatic hypotension 1, due to DBH deficiency. Identifiers: Orphanet 230, MedGen C4746777, MONDO:0009123, OMIM 223360.
DBH-related disorder. Also called: DBH-related condition.

Allele frequency attached by ClinVar (database versions not stated): 1000 Genomes Project 30x 0.00016; 1000 Genomes Project 0.00020.
gnomAD v4.1: 79 of 1,614,072 alleles (0.0049%); highest among the groups gnomAD compares: African/African-American, 0.069%; no homozygotes.

Submissions (3):

PreventionGenetics, part of Exact Sciences
Classification: Uncertain significance for DBH-related condition. Last evaluated: 2026-05-06. Review status: criteria provided, single submitter. Criteria: ACMG Guidelines, 2015. Collection method: clinical testing. Allele origin: germline.
Comment: The DBH c.1646G>A variant is predicted to result in the amino acid substitution p.Arg549His. To our knowledge, this variant has not been reported in the literature. This variant is reported in 0.084% of alleles in individuals of African descent in gnomAD. Although we suspect that this variant may be benign, at this time, the clinical significance of this variant is uncertain due to the absence of conclusive functional and genetic evidence.

Ambry Genetics
Classification: Uncertain significance for Inborn genetic diseases. Last evaluated: 2024-05-28. Review status: criteria provided, single submitter. Criteria: Ambry Variant Classification Scheme 2023. Collection method: clinical testing. Allele origin: germline.

Labcorp Genetics (formerly Invitae), Labcorp
Classification: Uncertain significance for Orthostatic hypotension 1. Last evaluated: 2022-08-01. Review status: criteria provided, single submitter. Criteria: Invitae Variant Classification Sherloc (09022015). Collection method: clinical testing. Allele origin: germline.
Comment: This sequence change replaces arginine, which is basic and polar, with histidine, which is basic and polar, at codon 549 of the DBH protein (p.Arg549His). This variant is present in population databases (rs150202872, gnomAD 0.09%). This variant has not been reported in the literature in individuals affected with DBH-related conditions. ClinVar contains an entry for this variant (Variation ID: 1517613). Algorithms developed to predict the effect of missense changes on protein structure and function are either unavailable or do not agree on the potential impact of this missense change (SIFT: "Tolerated"; PolyPhen-2: "Possibly Damaging"; Align-GVGD: "Class C0"). In summary, the available evidence is currently insufficient to determine the role of this variant in disease. Therefore, it has been classified as a Variant of Uncertain Significance.